The following is an entry in ClinVar:

NM_024642.5(GALNT12):c.1458+8T>G

Gene: GALNT12 (polypeptide N-acetylgalactosaminyltransferase 12; plus strand). Cytogenetic location: 9q22.33.
Variant type: single nucleotide variant.
Coding change: c.1458+8T>G on transcript NM_024642.5 (MANE Select); 8 bases into the intron after coding-DNA position 1458, T replaced by G.
Molecular consequence: intron variant.
Genome position (GRCh38, 1-based): chr9:98,844,217, T>G. VCF-style: chr9-98844217-T-G. GRCh37 (hg19) VCF-style: chr9-101606499-T-G.
Identifiers: ClinVar variation 4876177 (VCV004876177.1).

ClinVar aggregate classification (germline): Likely benign (1 of 4 stars; one submission).

Conditions:
Colorectal cancer, susceptibility to, 1. Also called: COLORECTAL ADENOMA AND CANCER, SUSCEPTIBILITY TO; COLORECTAL CANCER, SUSCEPTIBILITY TO, ON CHROMOSOME 9. Identifiers: MedGen C1837315, MONDO:0012132, OMIM 608812.

gnomAD v4.1: 1 of 1,527,528 alleles (0.000065%); highest among the groups gnomAD compares: South Asian, 0.0011%; no homozygotes.

Submission:

Myriad Genetics, Inc.
Classification: Likely benign for Colorectal cancer, susceptibility to, 1. Last evaluated: 2026-04-22. Review status: criteria provided, single submitter. Criteria: Myriad Autosomal Dominant, Autosomal Recessive and X-Linked Classification Criteria (2023). Collection method: clinical testing. Allele origin: unknown.
Comment: This variant is considered likely benign. This variant is intronic and is not expected to impact mRNA splicing.